The following is an entry in ClinVar:

NM_000465.4(BARD1):c.1658C>A (p.Ser553Ter)

Gene: BARD1 (BRCA1 associated RING domain 1; minus strand). Cytogenetic location: 2q35.
Variant type: single nucleotide variant.
Coding change: c.1658C>A on transcript NM_000465.4 (MANE Select); coding-DNA position 1658, C replaced by A.
Protein change: p.Ser553Ter; replaces serine 553 with a stop codon.
Molecular consequence: nonsense. On other transcripts: non-coding transcript variant (3), intron variant (1).
Genome position (GRCh38, 1-based): chr2:214,752,466, G>T on the plus strand (C>A on the coding strand, the complement: BARD1 is on the minus strand). VCF-style: chr2-214752466-G-T. GRCh37 (hg19) VCF-style: chr2-215617190-G-T.
Other names: c.1601C>A, p.Ser534Ter (NM_001282543.2); c.305C>A, p.Ser102Ter (NM_001282545.2); c.248C>A, p.Ser83Ter (NM_001282548.2); c.365-21958C>A (NM_001282549.2); short protein forms S102*, S534*, S553*, S83*.
Identifiers: ClinVar variation 2583292 (VCV002583292.2), dbSNP rs2469377733, ClinGen allele CA350454615.

ClinVar aggregate classification (germline): Pathogenic (1 of 4 stars; one submission).

Conditions:
Familial cancer of breast. Also called: Hereditary breast cancer; BREAST CANCER, FAMILIAL; hereditary breast carcinoma. Identifiers: Orphanet 227535, MedGen C0346153, MONDO:0016419, OMIM 114480. Disease mechanism: loss of function.

Submission:

Myriad Genetics, Inc.
Classification: Pathogenic for Familial cancer of breast. Last evaluated: 2023-05-23. Review status: criteria provided, single submitter. Criteria: Myriad Autosomal Dominant, Autosomal Recessive and X-Linked Classification Criteria (2023). Collection method: clinical testing. Allele origin: unknown.
Comment: This variant is considered pathogenic. This variant creates a termination codon and is predicted to result in premature protein truncation.